The following is an entry in ClinVar:

ClinVar aggregate classification (germline): Uncertain significance. Review status: criteria provided, multiple submitters, no conflicts (2 of 4 stars). 4 submissions from 4 submitters: Uncertain significance (4). Last evaluated 2023-12-18.

Conditions:
Fanconi anemia complementation group P. Also called: SLX4-Related Fanconi Anemia. Identifiers: Orphanet 84, MedGen C3469542, MONDO:0013499, OMIM 613951.
Fanconi anemia (FA). Also called: Fanconi's anemia. Identifiers: Orphanet 84, MedGen C0015625, MeSH D005199, MONDO:0019391.

Allele frequency attached by ClinVar (database versions not stated): gnomAD 0.00003; ESP Exome Variant Server 0.00008; ExAC 0.00010; TOPMed 0.00010.
gnomAD v4.1: 228 of 1,614,030 alleles (0.014%); highest among the groups gnomAD compares: Non-Finnish European, 0.018%; no homozygotes.

Submissions (4):

Labcorp Genetics (formerly Invitae), Labcorp
Classification: Uncertain significance for Fanconi anemia. Last evaluated: 2023-12-18. Review status: criteria provided, single submitter. Criteria: Invitae Variant Classification Sherloc (09022015). Collection method: clinical testing. Allele origin: germline.
Comment: This sequence change replaces lysine, which is basic and polar, with asparagine, which is neutral and polar, at codon 359 of the SLX4 protein (p.Lys359Asn). This variant is present in population databases (rs149470704, gnomAD 0.02%). This missense change has been observed in individual(s) with breast and/or ovarian cancer (PMID: 23840564, 32546565). ClinVar contains an entry for this variant (Variation ID: 456289). An algorithm developed to predict the effect of missense changes on protein structure and function (PolyPhen-2) suggests that this variant¬†is likely to be tolerated. In summary, the available evidence is currently insufficient to determine the role of this variant in disease. Therefore, it has been classified as a Variant of Uncertain Significance.

Baylor Genetics
Classification: Uncertain significance for Fanconi anemia complementation group P. Last evaluated: 2023-06-29. Review status: criteria provided, single submitter. Criteria: ACMG Guidelines, 2015. Collection method: clinical testing. Allele origin: unknown.

Sema4
Classification: Uncertain significance for Fanconi anemia. Last evaluated: 2022-02-15. Review status: criteria provided, single submitter. Criteria: Sema4 Curation Guidelines. Collection method: curation. Allele origin: germline.
Comment: The SLX4 c.1077G>T (p.K359N) variant has been reported in heterozygosity in individuals with breast cancer and ovarian cancer (PMID: 23840564, 32546565). It was observed in 20/129014 chromosomes of the Non-Finnish European subpopulation, with no homozygotes, in the large and broad cohorts of the Genome Aggregation Database (PMID: 32461654). The variant has been reported in ClinVar (Variation ID 456289). In silico tools suggest the impact of the variant on protein function is benign, though these predictions have not been confirmed by functional studies. The evidence is insufficient to meet ACMG/AMP criteria for classifying the variant as benign or pathogenic. Thus, the clinical significance of this variant is currently uncertain.

Fulgent Genetics
Classification: Uncertain significance for Fanconi anemia complementation group P. Last evaluated: 2022-02-02. Review status: criteria provided, single submitter. Criteria: ACMG Guidelines, 2015. Collection method: clinical testing. Allele origin: unknown.

Literature cited by the submitters: PubMed 23840564 (cited by Labcorp Genetics (formerly Invitae), Labcorp and Sema4); PubMed 32546565 (cited by Labcorp Genetics (formerly Invitae), Labcorp and Sema4).

NM_032444.4(SLX4):c.1077G>T (p.Lys359Asn)

Gene: SLX4 (SLX4 structure-specific endonuclease subunit; minus strand). Cytogenetic location: 16p13.3.
Variant type: single nucleotide variant.
Coding change: c.1077G>T on transcript NM_032444.4 (MANE Select); coding-DNA position 1077, G replaced by T.
Protein change: p.Lys359Asn; replaces lysine 359 with asparagine.
Molecular consequence: missense variant.
Genome position (GRCh38, 1-based): chr16:3,601,065, C>A on the plus strand (G>T on the coding strand, the complement: SLX4 is on the minus strand). VCF-style: chr16-3601065-C-A. GRCh37 (hg19) VCF-style: chr16-3651066-C-A.
Other names: c.1077G>T (LRG_503t1); short protein forms K359N.
Identifiers: ClinVar variation 456289 (VCV000456289.10), dbSNP rs149470704, ClinGen allele CA7866649.